The following is an entry in ClinVar:

NM_001958.5(EEF1A2):c.773-170del

Gene: EEF1A2 (eukaryotic translation elongation factor 1 alpha 2; minus strand). Cytogenetic location: 20q13.33.
Variant type: Deletion.
Coding change: c.773-170del on transcript NM_001958.5 (MANE Select); 170 bases into the intron before coding-DNA position 773, one base deleted (C; older notation c.773-170delC).
Molecular consequence: intron variant.
Genome position (GRCh38, 1-based): chr20:63,490,905, G deleted on the plus strand (C on the coding strand, the reverse complement: EEF1A2 is on the minus strand); the first of 3 consecutive G bases (chr20:63,490,905-63,490,907); deleting any one gives the same sequence. VCF-style (leftmost placement, unchanged base first): chr20-63490904-AG-A. GRCh37 (hg19) VCF-style: chr20-62122257-AG-A.
Identifiers: ClinVar variation 680014 (VCV000680014.1), dbSNP rs77467883, ClinGen allele CA317438063.

ClinVar aggregate classification (germline): Benign (1 of 4 stars; one submission).

Submission:

GeneDx
Classification: Benign. Last evaluated: 2018-06-14. Review status: criteria provided, single submitter. Criteria: GeneDx Variant Classification (06012015). Collection method: clinical testing. Allele origin: germline. Affected: yes.
Comment: This variant is considered likely benign or benign based on one or more of the following criteria: it is a conservative change, it occurs at a poorly conserved position in the protein, it is predicted to be benign by multiple in silico algorithms, and/or has population frequency not consistent with disease.